The following is an entry in ClinVar:

ClinVar aggregate classification (germline): Pathogenic/Likely pathogenic. Review status: criteria provided, multiple submitters, no conflicts (2 of 4 stars). 19 submissions from 19 submitters: Pathogenic (17); Likely pathogenic (1). 1 of the submissions does not count toward it. Last evaluated 2026-01-29.

Conditions:
ATM-related disorder. Also called: ATM-related disorders; ATM-related condition.
Neoplasm. Also called: Neoplasms; Neoplasm (disease); tumor. Identifiers: MedGen C0027651, MeSH D009369, MONDO:0005070, HP:0002664.
Hereditary cancer-predisposing syndrome. Also called: Neoplastic Syndromes, Hereditary; Hereditary Cancer Syndrome; Tumor predisposition; Hereditary neoplastic syndrome. Identifiers: Orphanet 140162, MedGen C0027672, MeSH D009386, MONDO:0015356.
Ataxia-telangiectasia syndrome (AT). Also called: Ataxia-telangiectasia, complementation group D; AT, COMPLEMENTATION GROUP C; Ataxia-telangiectasia; ATAXIA-TELANGIECTASIA, COMPLEMENTATION GROUP A; ATAXIA-TELANGIECTASIA, FRESNO VARIANT; Ataxia-telangiectasia, complementation group E. Identifiers: Orphanet 100, MedGen C0004135, MONDO:0008840, OMIM 208900.
Breast cancer, susceptibility to. Identifiers: MedGen C3469522. Disease mechanism: gain of function.
Familial cancer of breast. Also called: BREAST CANCER, FAMILIAL; hereditary breast carcinoma; Hereditary breast cancer. Identifiers: Orphanet 227535, MedGen C0346153, MONDO:0016419, OMIM 114480. Disease mechanism: loss of function.
Tip-toe gait. Also called: Toe walking. Identifiers: MedGen C0427144, HP:0030051.

Allele frequency attached by ClinVar (database versions not stated): gnomAD exomes below 0.00001; gnomAD 0.00001.
gnomAD v4.1: 3 of 1,613,682 alleles (0.00019%); highest among the groups gnomAD compares: African/African-American, 0.0027%; no homozygotes.

Submissions (19):

Labcorp Genetics (formerly Invitae), Labcorp
Classification: Pathogenic for Ataxia-telangiectasia syndrome. Last evaluated: 2026-01-29. Review status: criteria provided, single submitter. Criteria: Invitae Variant Classification Sherloc (09022015). Collection method: clinical testing. Allele origin: germline.
Comment: This sequence change creates a premature translational stop signal (p.Arg2849*) in the ATM gene. It is expected to result in an absent or disrupted protein product. Loss-of-function variants in ATM are known to be pathogenic (PMID: 23807571, 25614872). This variant is present in population databases (rs587778080, gnomAD 0.0009%). This premature translational stop signal has been observed in individual(s) with ataxia-telangiectasia and gastrointestinal tumor (PMID: 10425038, 16266405, 17124347, 19691550, 27083775). ClinVar contains an entry for this variant (Variation ID: 133637). For these reasons, this variant has been classified as Pathogenic.

Ambry Genetics
Classification: Pathogenic for Hereditary cancer-predisposing syndrome. Last evaluated: 2025-04-08. Review status: criteria provided, single submitter. Criteria: Ambry Variant Classification Scheme 2023. Collection method: clinical testing. Allele origin: germline.
Comment: The p.R2849* pathogenic mutation (also known as c.8545C>T), located in coding exon 57 of the ATM gene, results from a C to T substitution at nucleotide position 8545. This changes the amino acid from an arginine to a stop codon within coding exon 57. This mutation has been identified in multiple individuals of Polish or Italian ancestry with clinical diagnoses of ataxia-telangiectasia (Castellv&iacute;-Bel S et al. Hum. Mutat. 1999;14(2):156-62; Mitui M et al. Ann. Hum. Genet. 2005 Nov;69(Pt 6):657-64; Chessa L et al. Ann. Hum. Genet. 2009 Sep;73(Pt 5):532-9). In addition, this mutation was also detected in an individual with an unspecified gastrointestinal cancer on a hereditary cancer panel (Seifert BA et al. Clin. Cancer Res., 2016 Aug;22:4087-4094). In addition to the clinical data presented in the literature, this alteration is expected to result in loss of function by premature protein truncation or nonsense-mediated mRNA decay. As such, this alteration is interpreted as a disease-causing mutation.

Department of Clinical Genetics, Copenhagen University Hospital, Rigshospitalet
Classification: Pathogenic for Familial cancer of breast; Ataxia-telangiectasia syndrome. Last evaluated: 2025-02-04. Review status: criteria provided, single submitter. Criteria: ACMG Guidelines, 2015. Collection method: clinical testing. Allele origin: germline.
Comment: PVS1, PM2_SUP, PM5_SUP; PM3

Revvity Omics, Revvity
Classification: Pathogenic for Ataxia-telangiectasia syndrome. Last evaluated: 2024-10-30. Review status: criteria provided, single submitter. Criteria: ACMG Guidelines, 2015. Collection method: clinical testing. Allele origin: germline.

Natera, Inc.
Classification: Pathogenic for Ataxia-telangiectasia. Last evaluated: 2024-05-17. Review status: criteria provided, single submitter. Criteria: Natera Variant Classification Schema (03/2026). Collection method: clinical testing. Allele origin: germline.
Comment: The c.8545C>T variant in ATM is a nonsense variant predicted to introduce a stop codon at amino acid 2849. This variant is expected to result in nonsense mediated decay, truncation, or a dysfunctional protein product. This variant is rare in the general population with a frequency below the threshold expected for the associated phenotype(s). This variant has been observed in one or more individuals affected with the associated recessive disease, as either homozygous or compound heterozygous with a second variant (PMID: 19691550). Given the available evidence, this variant is classified as Pathogenic.

Fulgent Genetics
Classification: Pathogenic for Familial cancer of breast; Ataxia-telangiectasia syndrome. Last evaluated: 2024-05-16. Review status: criteria provided, single submitter. Criteria: ACMG Guidelines, 2015. Collection method: clinical testing. Allele origin: germline.

Baylor Genetics
Classification: Pathogenic for Familial cancer of breast. Last evaluated: 2024-03-17. Review status: criteria provided, single submitter. Criteria: ACMG Guidelines, 2015. Collection method: clinical testing. Allele origin: unknown.

Blueprint Genetics
Classification: Pathogenic for ATM-related disorders. Last evaluated: 2024-02-16. Review status: criteria provided, single submitter. Criteria: ACMG Guidelines, 2015. Collection method: clinical testing. Allele origin: germline. Affected: yes. Observed: 1 variant allele.

Myriad Genetics, Inc.
Classification: Pathogenic for Familial cancer of breast. Last evaluated: 2024-02-02. Review status: criteria provided, single submitter. Criteria: Myriad Autosomal Dominant, Autosomal Recessive and X-Linked Classification Criteria (2023). Collection method: clinical testing. Allele origin: unknown.
Comment: This variant is considered pathogenic. This variant creates a termination codon and is predicted to result in premature protein truncation.

GeneDx
Classification: Pathogenic. Last evaluated: 2022-12-30. Review status: criteria provided, single submitter. Criteria: GeneDx Variant Classification Process June 2021. Collection method: clinical testing. Allele origin: germline. Affected: yes.
Comment: Nonsense variant predicted to result in protein truncation or nonsense mediated decay in a gene for which loss-of-function is a known mechanism of disease; Not observed at significant frequency in large population cohorts (gnomAD); This variant is associated with the following publications: (PMID: 25525159, 23891399, 18634022, 29922827, 10425038, 24728327, 16266405, 17124347, 19691550, 31069529, 27083775, 32875559, 34153142, 32427313)

AURAGEN, Plan France Médecine Génomique
Classification: Pathogenic for Neoplasm. Last evaluated: 2021-07-15. Review status: criteria provided, single submitter. Criteria: PFMG2025 (Lancet Reg Health Eur. 2025). Collection method: clinical testing. Allele origin: germline. Affected: yes.

Practice for Gait Abnormalities, David Pomarino, Competency Network Toe Walking C/o Practice Pomarino
Classification: Likely pathogenic for Tip-toe gait. Last evaluated: 2021-01-26. Review status: criteria provided, single submitter. Criteria: ACMG Guidelines, 2015. Collection method: clinical testing. Allele origin: unknown. Affected: yes. Observed: 1 variant allele, 1 heterozygote.
Comment: We conducted a clinical examination of patients about toe walking. We also examined a control group of children without toe walking (100 children). In this group this variant could not be identified. Gait disorder

Color Diagnostics, LLC DBA Color Health
Classification: Pathogenic for Hereditary cancer-predisposing syndrome. Last evaluated: 2020-01-15. Review status: criteria provided, single submitter. Criteria: ACMG Guidelines, 2015. Collection method: clinical testing. Allele origin: germline.
Comment: This variant changes 1 nucleotide in exon 58 of the ATM gene, creating a premature translation stop signal. This variant is expected to result in an absent or non-functional protein product. This variant has been identified in 1/251124 chromosomes in the general population by the Genome Aggregation Database (gnomAD). Loss of ATM function is a known mechanism of disease. Based on the available evidence, this variant is classified as Pathogenic.

Human Genome Sequencing Center Clinical Lab, Baylor College of Medicine
Classification: Pathogenic for Susceptibility to breast cancer; Ataxia-telangiectasia. Last evaluated: 2019-06-17. Review status: criteria provided, single submitter. Criteria: ACMG Guidelines, 2015. Collection method: clinical testing. Allele origin: germline.
Comment: The c.8545C>T (p.Arg2849*) variant in the ATM gene creates a stop codon which is predicted to lead to nonsense-mediated mRNA decay. The variant has been reported in multiple patients with ataxia-telangiectasia (PMID 10425038,16266405, 17124347, 19691550) and in one individual with GI tract cancer (PMID 27083775). This variant is extremely rare in general population. Therefore, this c.8545C>T (p.Arg2849*) variant in the ATM gene is classified as pathogenic.

Women's Health and Genetics/Laboratory Corporation of America, LabCorp
Classification: Pathogenic for Ataxia-telangiectasia syndrome. Last evaluated: 2017-08-21. Review status: criteria provided, single submitter. Criteria: LabCorp Variant Classification Summary - May 2015. Collection method: clinical testing. Allele origin: germline.
Comment: Variant summary: The ATM c.8545C>T (p.Arg2849X) variant results in a premature termination codon, predicted to cause a truncated or absent ATM protein due to nonsense mediated decay, which are commonly known mechanisms for disease. Truncations downstream of this position have been classified as pathogenic by our laboratory (e.g. c.8977C>T, p.Arg2993X). One in silico tool predicts a damaging outcome for this variant. This variant is absent in 121276 control chromosomes and has been reported in multiple AT patients in the literature. In addition, multiple clinical diagnostic laboratories/reputable databases classified this variant as pathogenic. Taken together, this variant is classified as pathogenic.

Eurofins Ntd Llc (ga)
Classification: Pathogenic. Last evaluated: 2016-08-15. Review status: criteria provided, single submitter. Criteria: EGL Classification Definitions 2015. Collection method: clinical testing. Allele origin: germline. Observed: 1 variant allele, 1 heterozygote.

Genesis Genomics
Classification: Pathogenic for Familial cancer of breast. Review status: criteria provided, single submitter. Criteria: ACMG Guidelines, 2015. Collection method: clinical testing. Allele origin: germline. Affected: yes. Observed: 1 variant allele.

Institute of Human Genetics, University Hospital of Duesseldorf
Classification: Pathogenic for Ataxia-telangiectasia syndrome. Review status: criteria provided, single submitter. Criteria: ACMG Guidelines, 2015. Collection method: not provided. Allele origin: germline. Inheritance: Autosomal recessive inheritance. Affected: yes.

ITMI
No classification provided. Condition: AllHighlyPenetrant. Last evaluated: 2013-09-19. Review status: no classification provided. Collection method: reference population. Allele origin: germline. Not counted in ClinVar's aggregate classification.
Comment: Please see associated publication for description of ethnicities

Literature cited by the submitters: PubMed 23807571 (cited by Labcorp Genetics (formerly Invitae), Labcorp); PubMed 25614872 (cited by Labcorp Genetics (formerly Invitae), Labcorp); PubMed 10425038 (cited by 3 submitters); PubMed 16266405 (cited by 3 submitters); PubMed 17124347 (cited by Labcorp Genetics (formerly Invitae), Labcorp); PubMed 19691550 (cited by 4 submitters); PubMed 27083775 (cited by Labcorp Genetics (formerly Invitae), Labcorp and Ambry Genetics); PubMed 37091313 (cited by Practice for Gait Abnormalities, David Pomarino, Competency Network Toe Walking C/o Practice Pomarino); PubMed 18634022 (cited by Women's Health and Genetics/Laboratory Corporation of America, LabCorp); PubMed 24728327 (cited by ITMI).

NM_000051.4(ATM):c.8545C>T (p.Arg2849Ter)

Genes: ATM (ATM serine/threonine kinase; plus strand), C11orf65 (chromosome 11 open reading frame 65; minus strand). Cytogenetic location: 11q22.3.
Variant type: single nucleotide variant.
Coding change: c.8545C>T on transcript NM_000051.4 (MANE Select); coding-DNA position 8545, C replaced by T.
Protein change: p.Arg2849Ter; replaces arginine 2849 with a stop codon.
Molecular consequence: nonsense. On other transcripts: intron variant (2).
Genome position (GRCh38, 1-based): chr11:108,345,869, C>T. VCF-style: chr11-108345869-C-T. GRCh37 (hg19) VCF-style: chr11-108216596-C-T.
Other names: c.8545C>T, p.Arg2849Ter (NM_001351834.2); c.641-36798G>A (NM_001330368.2); c.695-10577G>A (NM_001351110.2); short protein forms R2849*.
Identifiers: ClinVar variation 133637 (VCV000133637.45), dbSNP rs587778080, ClinGen allele CA157183.